The following is an entry in ClinVar:

NM_004706.4(ARHGEF1):c.371G>A (p.Arg124His)

Gene: ARHGEF1 (Rho guanine nucleotide exchange factor 1; plus strand). Cytogenetic location: 19q13.2.
Variant type: single nucleotide variant.
Coding change: c.371G>A on transcript NM_004706.4 (MANE Select); coding-DNA position 371, G replaced by A.
Protein change: p.Arg124His; replaces arginine 124 with histidine.
Molecular consequence: missense variant. On other transcripts: non-coding transcript variant (2).
Genome position (GRCh38, 1-based): chr19:41,892,606, G>A. VCF-style: chr19-41892606-G-A. GRCh37 (hg19) VCF-style: chr19-42396677-G-A.
Other names: c.272G>A, p.Arg91His (NM_198977.2, NM_001396004.1, NM_001396002.1); c.416G>A, p.Arg139His (NM_199002.2); c.371G>A, p.Arg124His (NM_001396003.1, NM_001396000.1, NM_001396006.1); short protein forms R139H, R124H, R91H.
Identifiers: ClinVar variation 2867344 (VCV002867344.3), dbSNP rs868960086, ClinGen allele CA406047671.
Genomic context (GRCh38, chr19:41,892,606, plus strand): 5'-GACCGTGGTCCAAGCCACCAGGGAGCTGGACCCTAGCCCCCATGTGTGTCCCTGCAGACC[G>A]CACTAGGGCTGACCTCATCTCCGAGGATGTCCAGCGGCGGTTCGTGCAGGAGGTGGTGCA-3'
Protein context (NP_004697.2, residues 114-134): VPPNVAFELD[Arg124His]TRADLISEDV

ClinVar aggregate classification (germline): Uncertain significance (1 of 4 stars; one submission).

Allele frequency attached by ClinVar (database versions not stated): gnomAD 0.00001.
gnomAD v4.1: 8 of 1,594,298 alleles (0.0005%); highest among the groups gnomAD compares: African/African-American, 0.0013%; no homozygotes.

Submission:

Labcorp Genetics (formerly Invitae), Labcorp
Classification: Uncertain significance. Last evaluated: 2023-10-22. Review status: criteria provided, single submitter. Criteria: Invitae Variant Classification Sherloc (09022015). Collection method: clinical testing. Allele origin: germline.
Comment: This sequence change replaces arginine, which is basic and polar, with histidine, which is basic and polar, at codon 139 of the ARHGEF1 protein (p.Arg139His). The frequency data for this variant in the population databases is considered unreliable, as metrics indicate poor data quality at this position in the gnomAD database. This variant has not been reported in the literature in individuals affected with ARHGEF1-related conditions. An algorithm developed to predict the effect of missense changes on protein structure and function (PolyPhen-2) suggests that this variant is likely to be disruptive. In summary, the available evidence is currently insufficient to determine the role of this variant in disease. Therefore, it has been classified as a Variant of Uncertain Significance.